The following is an entry in ClinVar:

NM_004380.3(CREBBP):c.7105C>A (p.Pro2369Thr)

Gene: CREBBP (CREB binding lysine acetyltransferase; minus strand). Cytogenetic location: 16p13.3.
Variant type: single nucleotide variant.
Coding change: c.7105C>A on transcript NM_004380.3 (MANE Select); coding-DNA position 7105, C replaced by A.
Protein change: p.Pro2369Thr; replaces proline 2369 with threonine.
Molecular consequence: missense variant.
Genome position (GRCh38, 1-based): chr16:3,727,942, G>T on the plus strand (C>A on the coding strand, the complement: CREBBP is on the minus strand). VCF-style: chr16-3727942-G-T. GRCh37 (hg19) VCF-style: chr16-3777943-G-T.
Other names: c.6991C>A, p.Pro2331Thr (NM_001079846.1); short protein forms P2331T, P2369T.
Identifiers: ClinVar variation 2631143 (VCV002631143.3), dbSNP rs745770513, ClinGen allele CA394550525.

ClinVar aggregate classification (germline): Uncertain significance (0 of 4 stars; one submission).

Conditions:
CREBBP-related disorder. Also called: CREBBP-related condition; CREBBP-related disorders.

Submission:

PreventionGenetics, part of Exact Sciences
Classification: Uncertain significance for CREBBP-related condition. Last evaluated: 2023-10-31. Review status: no assertion criteria provided. Collection method: clinical testing. Allele origin: germline.
Comment: The CREBBP c.7105C>A variant is predicted to result in the amino acid substitution p.Pro2369Thr. This variant is found within exon 31. To our knowledge, this variant has not been reported in the literature or in a large population database, indicating this variant is rare. At this time, the clinical significance of this variant is uncertain due to the absence of conclusive functional and genetic evidence.